The following is an entry in ClinVar:

NM_003040.4(SLC4A2):c.646G>A (p.Gly216Arg)

Gene: SLC4A2 (solute carrier family 4 member 2; plus strand). Cytogenetic location: 7q36.1.
Variant type: single nucleotide variant.
Coding change: c.646G>A on transcript NM_003040.4 (MANE Select); coding-DNA position 646, G replaced by A.
Protein change: p.Gly216Arg; replaces glycine 216 with arginine.
Molecular consequence: missense variant.
Genome position (GRCh38, 1-based): chr7:151,066,584, G>A. VCF-style: chr7-151066584-G-A. GRCh37 (hg19) VCF-style: chr7-150763671-G-A.
Other names: c.646G>A, p.Gly216Arg (NM_001199692.3); c.619G>A, p.Gly207Arg (NM_001199693.1); c.604G>A, p.Gly202Arg (NM_001199694.2); short protein forms G216R, G202R, G207R.
Identifiers: ClinVar variation 64518 (VCV000064518.2), dbSNP rs375977483, ClinGen allele CA216325.

ClinVar aggregate classification (germline): Uncertain significance (0 of 4 stars; one submission).

Allele frequency attached by ClinVar (database versions not stated): gnomAD 0.00001; TOPMed 0.00001; gnomAD exomes 0.00002; ESP Exome Variant Server 0.00017; ExAC 0.00007.
gnomAD v4.1: 29 of 1,547,222 alleles (0.0019%); highest among the groups gnomAD compares: African/African-American, 0.0027%; no homozygotes.

Submission:

Martin Pollak Laboratory,  Beth Israel Deaconess Medical Center
Classification: Uncertain significance. Review status: no assertion criteria provided. Collection method: not provided. Allele origin: unknown.
Comment: Higher UCa2+ group
ClinVar note: Converted during submission from unknown to Uncertain significance.